The following is an entry in ClinVar:

NM_025144.4(ALPK1):c.2655G>A (p.Ala885=)

Gene: ALPK1 (alpha kinase 1; plus strand). Cytogenetic location: 4q25.
Variant type: single nucleotide variant.
Coding change: c.2655G>A on transcript NM_025144.4 (MANE Select); coding-DNA position 2655, G replaced by A.
Protein change: p.Ala885=; no amino-acid change (alanine 885 retained).
Molecular consequence: synonymous variant.
Genome position (GRCh38, 1-based): chr4:112,432,202, G>A. VCF-style: chr4-112432202-G-A. GRCh37 (hg19) VCF-style: chr4-113353358-G-A.
Other names: c.2655G>A, p.Ala885= (NM_001102406.2); c.2421G>A, p.Ala807= (NM_001253884.2).
Identifiers: ClinVar variation 773870 (VCV000773870.40), dbSNP rs35129721, ClinGen allele CA3046959.

ClinVar aggregate classification (germline): Benign/Likely benign. Review status: criteria provided, multiple submitters, no conflicts (2 of 4 stars). 4 submissions from 4 submitters: Benign (3); Likely benign (1). Last evaluated 2026-07-01.

Allele frequency attached by ClinVar (database versions not stated): TOPMed 0.00476; gnomAD exomes 0.00493 and 0.00741; ExAC 0.00512; gnomAD 0.00518 and 0.00543; ESP Exome Variant Server 0.00707; 1000 Genomes Project 0.00180; 1000 Genomes Project 30x 0.00203.
gnomAD v4.1: 11,506 of 1,614,212 alleles (0.71%); highest among the groups gnomAD compares: Non-Finnish European, 0.89%; 57 homozygotes.

Submissions (4):

CeGaT Center for Human Genetics Tuebingen
Classification: Likely benign. Last evaluated: 2026-07-01. Review status: criteria provided, single submitter. Criteria: CeGaT Center For Human Genetics Tuebingen Variant Classification Criteria Version 2. Collection method: clinical testing. Allele origin: germline. Affected: yes. Observed: 9 variant alleles.
Comment: ALPK1: BP4, BP7, BS2

Women's Health and Genetics/Laboratory Corporation of America, LabCorp
Classification: Benign. Last evaluated: 2026-06-29. Review status: criteria provided, single submitter. Criteria: LabCorp Variant Classification Summary - May 2015. Collection method: clinical testing. Allele origin: germline.

Labcorp Genetics (formerly Invitae), Labcorp
Classification: Benign. Last evaluated: 2026-02-01. Review status: criteria provided, single submitter. Criteria: Invitae Variant Classification Sherloc (09022015). Collection method: clinical testing. Allele origin: germline.

Breakthrough Genomics
Classification: Benign. Review status: criteria provided, single submitter. Criteria: ACMG Guidelines, 2015. Collection method: not provided. Allele origin: germline. Inheritance: Autosomal dominant inheritance. Affected: yes.